The following is an entry in ClinVar:

ClinVar aggregate classification (germline): Uncertain significance. Review status: criteria provided, multiple submitters, no conflicts (2 of 4 stars). 4 submissions from 4 submitters: Uncertain significance (4). Last evaluated 2026-01-10.

Conditions:
Hereditary nonpolyposis colorectal neoplasms. Identifiers: MedGen C0009405, MeSH D003123.
Hereditary cancer-predisposing syndrome. Also called: Hereditary neoplastic syndrome; Tumor predisposition; Neoplastic Syndromes, Hereditary; Hereditary Cancer Syndrome. Identifiers: Orphanet 140162, MedGen C0027672, MeSH D009386, MONDO:0015356.

Allele frequency attached by ClinVar (database versions not stated): gnomAD exomes below 0.00001.
gnomAD v4.1: 1 of 1,613,978 alleles (0.000062%); highest among the groups gnomAD compares: Non-Finnish European, 0.000085%; no homozygotes.

Submissions (4):

Labcorp Genetics (formerly Invitae), Labcorp
Classification: Uncertain significance for Hereditary nonpolyposis colorectal neoplasms. Last evaluated: 2026-01-10. Review status: criteria provided, single submitter. Criteria: Invitae Variant Classification Sherloc (09022015). Collection method: clinical testing. Allele origin: germline.
Comment: This sequence change replaces alanine, which is neutral and non-polar, with threonine, which is neutral and polar, at codon 1226 of the MSH6 protein (p.Ala1226Thr). This variant is not present in population databases (gnomAD no frequency). This variant has not been reported in the literature in individuals affected with MSH6-related conditions. ClinVar contains an entry for this variant (Variation ID: 420856). Invitae Evidence Modeling of protein sequence and biophysical properties (such as structural, functional, and spatial information, amino acid conservation, physicochemical variation, residue mobility, and thermodynamic stability) has been performed for this missense variant. However, the output from this modeling did not meet the statistical confidence thresholds required to predict the impact of this variant on MSH6 protein function. In summary, the available evidence is currently insufficient to determine the role of this variant in disease. Therefore, it has been classified as a Variant of Uncertain Significance.

Ambry Genetics
Classification: Uncertain significance for Hereditary cancer-predisposing syndrome. Last evaluated: 2024-07-24. Review status: criteria provided, single submitter. Criteria: Ambry Variant Classification Scheme 2023. Collection method: clinical testing. Allele origin: germline.
Comment: The p.A1226T variant (also known as c.3676G>A), located in coding exon 8 of the MSH6 gene, results from a G to A substitution at nucleotide position 3676. The alanine at codon 1226 is replaced by threonine, an amino acid with similar properties. This amino acid position is highly conserved in available vertebrate species. In addition, this alteration is predicted to be deleterious by in silico analysis. Since supporting evidence is limited at this time, the clinical significance of this alteration remains unclear.

Color Diagnostics, LLC DBA Color Health
Classification: Uncertain significance for Hereditary cancer-predisposing syndrome. Last evaluated: 2023-12-05. Review status: criteria provided, single submitter. Criteria: ACMG Guidelines, 2015. Collection method: clinical testing. Allele origin: germline.
Comment: This missense variant replaces alanine with threonine at codon 1226 of the MSH6 protein. Computational prediction suggests that this variant may have deleterious impact on protein structure and function (internally defined REVEL score threshold >= 0.7, PMID: 27666373). To our knowledge, functional studies have not been reported for this variant. This variant has not been reported in individuals affected with MSH6-related disorders in the literature. This variant has not been identified in the general population by the Genome Aggregation Database (gnomAD). The available evidence is insufficient to determine the role of this variant in disease conclusively. Therefore, this variant is classified as a Variant of Uncertain Significance.

GeneDx
Classification: Uncertain significance. Last evaluated: 2016-07-06. Review status: criteria provided, single submitter. Criteria: GeneDx Variant Classification (06012015). Collection method: clinical testing. Allele origin: germline. Affected: yes.
Comment: This variant is denoted MSH6 c.3676G>A at the cDNA level, p.Ala1226Thr (A1226T) at the protein level, and results in the change of an Alanine to a Threonine (GCA>ACA). This variant has not, to our knowledge, been published in the literature as pathogenic or benign. MSH6 Ala1226Thr was not observed in approximately 6,500 individuals of European and African American ancestry in the NHLBI Exome Sequencing Project, suggesting it is not a common benign variant in these populations. Since Alanine and Threonine differ in polarity, charge, size or other properties, this is considered a non-conservative amino acid substitution. MSH6 Ala1226Thr occurs at a position that is conserved across species and is located in domain V of the MutS domain and the Mg2+ binding site (Kariola 2002, Terui 2013). In silico analyses predict that this variant is probably damaging to protein structure and function. Based on currently available evidence, it is unclear whether MSH6 Ala1226Thr is a pathogenic or benign variant. We consider it to be a variant of uncertain significance.

NM_000179.3(MSH6):c.3676G>A (p.Ala1226Thr)

Gene: MSH6 (mutS homolog 6; plus strand). Cytogenetic location: 2p16.3.
Variant type: single nucleotide variant.
Coding change: c.3676G>A on transcript NM_000179.3 (MANE Select); coding-DNA position 3676, G replaced by A.
Protein change: p.Ala1226Thr; replaces alanine 1226 with threonine.
Molecular consequence: missense variant.
Genome position (GRCh38, 1-based): chr2:47,806,233, G>A. VCF-style: chr2-47806233-G-A. GRCh37 (hg19) VCF-style: chr2-48033372-G-A.
Other names: c.3286G>A, p.Ala1096Thr (NM_001281492.2); c.2770G>A, p.Ala924Thr (NM_001281493.2, NM_001281494.2); short protein forms A1226T, A1096T, A924T.
Identifiers: ClinVar variation 420856 (VCV000420856.16), dbSNP rs1064794746, ClinGen allele CA16617706.